The following is an entry in ClinVar:

NM_001370259.2(MEN1):c.1398G>A (p.Glu466=)

Gene: MEN1 (menin 1; minus strand). Cytogenetic location: 11q13.1.
Variant type: single nucleotide variant.
Coding change: c.1398G>A on transcript NM_001370259.2 (MANE Select); coding-DNA position 1398, G replaced by A.
Protein change: p.Glu466=; no amino-acid change (glutamic acid 466 retained).
Molecular consequence: synonymous variant.
Genome position (GRCh38, 1-based): chr11:64,804,769, C>T on the plus strand (G>A on the coding strand, the complement: MEN1 is on the minus strand). VCF-style: chr11-64804769-C-T. GRCh37 (hg19) VCF-style: chr11-64572241-C-T.
Other names: c.1413G>A, p.Glu471= (NM_000244.4, NM_130800.3, NM_130801.3 and 3 more transcripts); c.1524G>A, p.Glu508= (NM_001370251.2); c.1398G>A, p.Glu466= (NM_001370260.2, NM_001370261.2, NM_130799.3); c.1293G>A, p.Glu431= (NM_001370262.2, NM_001370263.2).
Identifiers: ClinVar variation 1161186 (VCV001161186.12), dbSNP rs990566024, ClinGen allele CA475163500.

ClinVar aggregate classification (germline): Benign/Likely benign. Review status: criteria provided, multiple submitters, no conflicts (2 of 4 stars). 3 submissions from 3 submitters: Benign (1); Likely benign (2). Last evaluated 2024-11-05.

Conditions:
Multiple endocrine neoplasia, type 1 (MEN1). Also called: Endocrine adenomatosis multiple; MEN 1; MEN I; WERMER SYNDROME; MEA I. Identifiers: Orphanet 652, MedGen C0025267, MeSH D018761, MONDO:0007540, OMIM 131100.
Hereditary cancer-predisposing syndrome. Also called: Neoplastic Syndromes, Hereditary; Hereditary Cancer Syndrome; Hereditary neoplastic syndrome; Tumor predisposition. Identifiers: Orphanet 140162, MedGen C0027672, MeSH D009386, MONDO:0015356.

Submissions (3):

Myriad Genetics, Inc.
Classification: Benign for Multiple endocrine neoplasia, type 1. Last evaluated: 2024-11-05. Review status: criteria provided, single submitter. Criteria: Myriad Autosomal Dominant, Autosomal Recessive and X-Linked Classification Criteria (2023). Collection method: clinical testing. Allele origin: unknown.
Comment: This variant is considered benign. This variant is a silent/synonymous amino acid change and it is not expected to impact splicing.

Labcorp Genetics (formerly Invitae), Labcorp
Classification: Likely benign for Multiple endocrine neoplasia, type 1. Last evaluated: 2024-10-06. Review status: criteria provided, single submitter. Criteria: Invitae Variant Classification Sherloc (09022015). Collection method: clinical testing. Allele origin: germline.

Ambry Genetics
Classification: Likely benign for Hereditary cancer-predisposing syndrome. Last evaluated: 2019-11-21. Review status: criteria provided, single submitter. Criteria: Ambry Variant Classification Scheme 2023. Collection method: clinical testing. Allele origin: germline.